The following is an entry in ClinVar:

ClinVar aggregate classification (germline): Uncertain significance (1 of 4 stars; one submission).

Submission:

Labcorp Genetics (formerly Invitae), Labcorp
Classification: Uncertain significance. Last evaluated: 2022-04-16. Review status: criteria provided, single submitter. Criteria: Invitae Variant Classification Sherloc (09022015). Collection method: clinical testing. Allele origin: germline.
Comment: In summary, the available evidence is currently insufficient to determine the role of this variant in disease. Therefore, it has been classified as a Variant of Uncertain Significance. Algorithms developed to predict the effect of missense changes on protein structure and function output the following: SIFT: "Tolerated"; PolyPhen-2: "Benign"; Align-GVGD: "Class C0". The asparagine amino acid residue is found in multiple mammalian species, which suggests that this missense change does not adversely affect protein function. This variant has not been reported in the literature in individuals affected with SZT2-related conditions. This variant is not present in population databases (gnomAD no frequency). This sequence change replaces serine, which is neutral and polar, with asparagine, which is neutral and polar, at codon 1172 of the SZT2 protein (p.Ser1172Asn).

NM_001365999.1(SZT2):c.3686G>A (p.Ser1229Asn)

Gene: SZT2 (SZT2 subunit of KICSTOR complex; plus strand). Cytogenetic location: 1p34.2.
Variant type: single nucleotide variant.
Coding change: c.3686G>A on transcript NM_001365999.1 (MANE Select); coding-DNA position 3686, G replaced by A.
Protein change: p.Ser1229Asn; replaces serine 1229 with asparagine.
Molecular consequence: missense variant.
Genome position (GRCh38, 1-based): chr1:43,427,617, G>A. VCF-style: chr1-43427617-G-A. GRCh37 (hg19) VCF-style: chr1-43893288-G-A.
Other names: c.3515G>A, p.Ser1172Asn (NM_015284.4); short protein forms S1229N, S1172N.
Identifiers: ClinVar variation 2127056 (VCV002127056.4), dbSNP rs2545820054, ClinGen allele CA340018831.
Genomic context (GRCh38, chr1:43,427,617, plus strand): 5'-GTCCACCATTCCGTCGAGACTTACAGGCTTACGCTGGGCGTCAGGCTTCCCAGACAGAGA[G>A]TGCGGATGGGCCCCGGACCCGGTGTCCTGTCTACATCTACAGCTGTTCACTGGAAGCGCT-3'
Protein context (NP_001352928.1, residues 1219-1239): YAGRQASQTE[Ser1229Asn]ADGPRTRCPV